The following is an entry in ClinVar:

NM_024741.3(ZNF408):c.467A>G (p.Gln156Arg)

Gene: ZNF408 (zinc finger protein 408; plus strand). Cytogenetic location: 11p11.2.
Variant type: single nucleotide variant.
Coding change: c.467A>G on transcript NM_024741.3 (MANE Select); coding-DNA position 467, A replaced by G.
Protein change: p.Gln156Arg; replaces glutamine 156 with arginine.
Molecular consequence: missense variant.
Genome position (GRCh38, 1-based): chr11:46,703,058, A>G. VCF-style: chr11-46703058-A-G. GRCh37 (hg19) VCF-style: chr11-46724608-A-G.
Other names: c.443A>G, p.Gln148Arg (NM_001184751.2); short protein forms Q148R, Q156R.
Identifiers: ClinVar variation 1467680 (VCV001467680.9), dbSNP rs1030898067, ClinGen allele CA221631426.

ClinVar aggregate classification (germline): Uncertain significance. Review status: criteria provided, multiple submitters, no conflicts (2 of 4 stars). 2 submissions from 2 submitters: Uncertain significance (2). Last evaluated 2025-09-23.

Allele frequency attached by ClinVar (database versions not stated): gnomAD exomes below 0.00001 and 0.00001; gnomAD 0.00004 and 0.00005; TOPMed 0.00007.

Submissions (2):

Labcorp Genetics (formerly Invitae), Labcorp
Classification: Uncertain significance. Last evaluated: 2025-09-23. Review status: criteria provided, single submitter. Criteria: Invitae Variant Classification Sherloc (09022015). Collection method: clinical testing. Allele origin: germline.
Comment: This sequence change replaces glutamine, which is neutral and polar, with arginine, which is basic and polar, at codon 156 of the ZNF408 protein (p.Gln156Arg). This variant is present in population databases (no rsID available, gnomAD 0.007%). This variant has not been reported in the literature in individuals affected with ZNF408-related conditions. ClinVar contains an entry for this variant (Variation ID: 1467680). An algorithm developed to predict the effect of missense changes on protein structure and function outputs the following: PolyPhen-2: "Benign". The arginine amino acid residue is found in multiple mammalian species, which suggests that this missense change does not adversely affect protein function. In summary, the available evidence is currently insufficient to determine the role of this variant in disease. Therefore, it has been classified as a Variant of Uncertain Significance.

Blueprint Genetics
Classification: Uncertain significance. Last evaluated: 2022-04-20. Review status: criteria provided, single submitter. Criteria: ACMG Guidelines, 2015. Collection method: clinical testing. Allele origin: germline.